The following is an entry in ClinVar:

NM_020975.6(RET):c.355C>T (p.Leu119Phe)

Gene: RET (ret proto-oncogene; plus strand). Cytogenetic location: 10q11.21.
Variant type: single nucleotide variant.
Coding change: c.355C>T on transcript NM_020975.6 (MANE Select); coding-DNA position 355, C replaced by T.
Protein change: p.Leu119Phe; replaces leucine 119 with phenylalanine.
Molecular consequence: missense variant.
Genome position (GRCh38, 1-based): chr10:43,102,359, C>T. VCF-style: chr10-43102359-C-T. GRCh37 (hg19) VCF-style: chr10-43597807-C-T.
Other names: c.355C>T, p.Leu119Phe (NM_000323.2, NM_001406743.1, NM_001406744.1 and 16 more transcripts); short protein forms L119F.
Identifiers: ClinVar variation 1732683 (VCV001732683.3), dbSNP rs764496948, ClinGen allele CA376770650.

ClinVar aggregate classification (germline): Uncertain significance (1 of 4 stars; one submission).

Conditions:
Hereditary cancer-predisposing syndrome. Also called: Neoplastic Syndromes, Hereditary; Tumor predisposition; Hereditary Cancer Syndrome; Hereditary neoplastic syndrome. Identifiers: Orphanet 140162, MedGen C0027672, MeSH D009386, MONDO:0015356.

Submission:

Ambry Genetics
Classification: Uncertain significance for Hereditary cancer-predisposing syndrome. Last evaluated: 2024-11-07. Review status: criteria provided, single submitter. Criteria: Ambry Variant Classification Scheme 2023. Collection method: clinical testing. Allele origin: germline.
Comment: The p.L119F variant (also known as c.355C>T), located in coding exon 3 of the RET gene, results from a C to T substitution at nucleotide position 355. The leucine at codon 119 is replaced by phenylalanine, an amino acid with highly similar properties. This amino acid position is conserved. In addition, this alteration is predicted to be tolerated by in silico analysis. Since supporting evidence is limited at this time, the clinical significance of this alteration remains unclear.